The following is an entry in ClinVar:

NM_016222.4(DDX41):c.1549+2T>C

Gene: DDX41 (DEAD-box helicase 41; minus strand). Cytogenetic location: 5q35.3.
Variant type: single nucleotide variant.
Coding change: c.1549+2T>C on transcript NM_016222.4 (MANE Select); the canonical splice donor site of the intron after coding-DNA position 1549, T replaced by C.
Molecular consequence: splice donor variant.
Genome position (GRCh38, 1-based): chr5:177,512,494, A>G on the plus strand (T>C on the coding strand, the complement: DDX41 is on the minus strand). VCF-style: chr5-177512494-A-G. GRCh37 (hg19) VCF-style: chr5-176939495-A-G.
Other names: c.1171+2T>C (NM_001321732.2, NM_001321830.2).
Identifiers: ClinVar variation 4841784 (VCV004841784.1).

ClinVar aggregate classification (germline): Uncertain significance (1 of 4 stars; one submission).

Conditions:
Inborn genetic diseases. Identifiers: MedGen C0950123, MeSH D030342.

Submission:

Ambry Genetics
Classification: Uncertain significance for Inborn genetic diseases. Last evaluated: 2025-12-29. Review status: criteria provided, single submitter. Criteria: Ambry Variant Classification Scheme 2023. Collection method: clinical testing. Allele origin: germline.
Comment: The c.1549+2T>C intronic variant results from a T to C substitution two nucleotides after coding exon 14 in the DDX41 gene. This nucleotide position is highly conserved in available vertebrate species. In silico splice site analysis predicts that this alteration may weaken the native splice donor site; however, direct evidence is insufficient at this time (Ambry internal data). Alterations that disrupt the canonical splice site are expected to cause aberrant splicing, resulting in an abnormal protein or a transcript that is subject to nonsense-mediated mRNA decay; however, +2T>C alterations are capable of generating wild-type transcripts in some genomic contexts and should be interpreted with caution (Lin JH et al. Hum Mutat. 2019 10;40:1856-1873). Based on the available evidence, the clinical significance of this alteration remains unclear.